The following is an entry in ClinVar:

NM_198834.3(ACACA):c.6634C>T (p.Leu2212=)

Gene: ACACA (acetyl-CoA carboxylase alpha; minus strand). Cytogenetic location: 17q12.
Variant type: single nucleotide variant.
Coding change: c.6634C>T on transcript NM_198834.3 (MANE Select); coding-DNA position 6634, C replaced by T.
Protein change: p.Leu2212=; no amino-acid change (leucine 2212 retained).
Molecular consequence: synonymous variant.
Genome position (GRCh38, 1-based): chr17:37,097,916, G>A on the plus strand (C>T on the coding strand, the complement: ACACA is on the minus strand). VCF-style: chr17-37097916-G-A. GRCh37 (hg19) VCF-style: chr17-35454851-G-A.
Other names: p.Leu2175=; c.6523C>T (NM_198839.2); c.6634C>T (NM_198834.2); c.6523C>T, p.Leu2175= (NM_198836.3, NM_198839.3); c.6349C>T, p.Leu2117= (NM_198837.2); c.6289C>T, p.Leu2097= (NM_198838.2).
Identifiers: ClinVar variation 1600886 (VCV001600886.12), dbSNP rs148586245, ClinGen allele CA8514588.
Genomic context (GRCh38, chr17:37,097,916, plus strand): 5'-GGCCTGGTGTGTCGTGCAAGTCAGCAAACTGCACGGCTACCTGATGGTAAATGGGAATTA[G>A]GAATTCCTCCCGCTCCTTCAACTTGTTCTCCAACTCCTTCCGCTCAGCTGTGCTTAGCTC-3'
Protein context (NP_942131.1, residues 2202-2222): ENKLKEREEF[Leu2212=]IPIYHQVAVQ

ClinVar aggregate classification (germline): Benign/Likely benign. Review status: criteria provided, multiple submitters, no conflicts (2 of 4 stars). 4 submissions from 4 submitters: Benign (2); Likely benign (1). 1 of the submissions does not count toward it. Last evaluated 2025-09-22.

Conditions:
ACACA-related disorder. Also called: ACACA-related condition.

Allele frequency attached by ClinVar (database versions not stated): 1000 Genomes Project 0.00040; 1000 Genomes Project 30x 0.00047; ExAC 0.00096; gnomAD exomes 0.00100; gnomAD 0.00108 and 0.00111; TOPMed 0.00126; ESP Exome Variant Server 0.00200.
gnomAD v4.1: 2,888 of 1,614,154 alleles (0.18%); highest among the groups gnomAD compares: Non-Finnish European, 0.24%; 7 homozygotes.

Submissions (4):

Mayo Clinic Laboratories, Mayo Clinic
Classification: Likely benign. Last evaluated: 2025-09-22. Review status: criteria provided, single submitter. Criteria: ACMG Guidelines, 2015. Collection method: clinical testing. Allele origin: germline. Observed: 2 variant alleles.

Labcorp Genetics (formerly Invitae), Labcorp
Classification: Benign. Last evaluated: 2025-08-26. Review status: criteria provided, single submitter. Criteria: Invitae Variant Classification Sherloc (09022015). Collection method: clinical testing. Allele origin: germline.

Breakthrough Genomics
Classification: Benign. Review status: criteria provided, single submitter. Criteria: ACMG Guidelines, 2015. Collection method: not provided. Allele origin: germline. Inheritance: Autosomal recessive inheritance. Affected: yes.

PreventionGenetics, part of Exact Sciences
Classification: Likely benign for ACACA-related condition. Last evaluated: 2019-03-06. Review status: no assertion criteria provided. Collection method: clinical testing. Allele origin: germline. Not counted in ClinVar's aggregate classification.
Comment: This variant is classified as likely benign based on ACMG/AMP sequence variant interpretation guidelines (Richards et al. 2015 PMID: 25741868, with internal and published modifications).